The following is an entry in ClinVar:

ClinVar aggregate classification (germline): Uncertain significance (1 of 4 stars; one submission).

Conditions:
KBG syndrome (KBGS). Also called: ANKRD11-Related KBG Syndrome. Identifiers: Orphanet 2332, MedGen C0220687, MONDO:0007846, OMIM 148050.

gnomAD v4.1: 24 of 1,459,138 alleles (0.0016%); highest among the groups gnomAD compares: Non-Finnish European, 0.0022%; no homozygotes.

Submission:

Labcorp Genetics (formerly Invitae), Labcorp
Classification: Uncertain significance for KBG syndrome. Last evaluated: 2025-02-02. Review status: criteria provided, single submitter. Criteria: Invitae Variant Classification Sherloc (09022015). Collection method: clinical testing. Allele origin: germline.
Comment: This sequence change replaces proline, which is neutral and non-polar, with serine, which is neutral and polar, at codon 2363 of the ANKRD11 protein (p.Pro2363Ser). This variant is not present in population databases (gnomAD no frequency). This variant has not been reported in the literature in individuals affected with ANKRD11-related conditions. Invitae Evidence Modeling of protein sequence and biophysical properties (such as structural, functional, and spatial information, amino acid conservation, physicochemical variation, residue mobility, and thermodynamic stability) indicates that this missense variant is not expected to disrupt ANKRD11 protein function with a negative predictive value of 95%. In summary, the available evidence is currently insufficient to determine the role of this variant in disease. Therefore, it has been classified as a Variant of Uncertain Significance.

NM_013275.6(ANKRD11):c.7087C>T (p.Pro2363Ser)

Gene: ANKRD11 (ankyrin repeat domain 11; minus strand). Cytogenetic location: 16q24.3.
Variant type: single nucleotide variant.
Coding change: c.7087C>T on transcript NM_013275.6 (MANE Select); coding-DNA position 7087, C replaced by T.
Protein change: p.Pro2363Ser; replaces proline 2363 with serine.
Molecular consequence: missense variant.
Genome position (GRCh38, 1-based): chr16:89,279,455, G>A on the plus strand (C>T on the coding strand, the complement: ANKRD11 is on the minus strand). VCF-style: chr16-89279455-G-A. GRCh37 (hg19) VCF-style: chr16-89345863-G-A.
Other names: c.7087C>T, p.Pro2363Ser (NM_001256182.2, NM_001256183.2); short protein forms P2363S.
Identifiers: ClinVar variation 3709712 (VCV003709712.2).